The following is an entry in ClinVar:

ClinVar aggregate classification (germline): Uncertain significance (1 of 4 stars; one submission).

Allele frequency attached by ClinVar (database versions not stated): 1000 Genomes Project 30x 0.00016; gnomAD exomes 0.00005; 1000 Genomes Project 0.00020; gnomAD 0.00002; TOPMed 0.00004; ExAC 0.00012.
gnomAD v4.1: 87 of 1,614,194 alleles (0.0054%); highest among the groups gnomAD compares: East Asian, 0.062%; no homozygotes.

Submission:

Labcorp Genetics (formerly Invitae), Labcorp
Classification: Uncertain significance. Last evaluated: 2025-05-01. Review status: criteria provided, single submitter. Criteria: Invitae Variant Classification Sherloc (09022015). Collection method: clinical testing. Allele origin: germline.
Comment: This sequence change replaces valine, which is neutral and non-polar, with alanine, which is neutral and non-polar, at codon 145 of the SLC7A13 protein (p.Val145Ala). This variant is present in population databases (rs181461170, gnomAD 0.08%), and has an allele count higher than expected for a pathogenic variant. This variant has not been reported in the literature in individuals affected with SLC7A13-related conditions. ClinVar contains an entry for this variant (Variation ID: 2890498). An algorithm developed to predict the effect of missense changes on protein structure and function (PolyPhen-2) suggests that this variant is likely to be tolerated. In summary, the available evidence is currently insufficient to determine the role of this variant in disease. Therefore, it has been classified as a Variant of Uncertain Significance.

NM_138817.3(SLC7A13):c.434T>C (p.Val145Ala)

Gene: SLC7A13 (solute carrier family 7 member 13; minus strand). Cytogenetic location: 8q21.3.
Variant type: single nucleotide variant.
Coding change: c.434T>C on transcript NM_138817.3 (MANE Select); coding-DNA position 434, T replaced by C.
Protein change: p.Val145Ala; replaces valine 145 with alanine.
Molecular consequence: missense variant.
Genome position (GRCh38, 1-based): chr8:86,229,844, A>G on the plus strand (T>C on the coding strand, the complement: SLC7A13 is on the minus strand). VCF-style: chr8-86229844-A-G. GRCh37 (hg19) VCF-style: chr8-87242073-A-G.
Other names: short protein forms V145A.
Identifiers: ClinVar variation 2890498 (VCV002890498.3), dbSNP rs181461170, ClinGen allele CA4797835.
Genomic context (GRCh38, chr8:86,229,844, plus strand): 5'-ACTGAGCTAGCTATCTGAAGCCAAGTCACTTCTTTCACACCACGAGAAGTCAGAATTCCT[A>G]CAATCCACAACATGGCCAATGCCAGACATTTCTTAGGCAGCTTTGGGACAGAGCAGCTGG-3'
Protein context (NP_620172.2, residues 135-155): KCLALAMLWI[Val145Ala]GILTSRGVKE